The following is an entry in ClinVar:

ClinVar aggregate classification (germline): Uncertain significance. Review status: criteria provided, multiple submitters, no conflicts (2 of 4 stars). 2 submissions from 2 submitters: Uncertain significance (2). Last evaluated 2024-04-16.

Conditions:
Catecholaminergic polymorphic ventricular tachycardia (CVPT). Also called: Catecholamine-induced polymorphic ventricular tachycardia. Identifiers: Orphanet 3286, MedGen C5574922, MONDO:0017990.
Cardiomyopathy (CMYO). Also called: Cardiomyopathies. Identifiers: Orphanet 167848, MedGen C0878544, MONDO:0004994, HP:0001638. Inheritance: Various modes of inheritance.

Submissions (2):

All of Us Research Program, National Institutes of Health
Classification: Uncertain significance for Catecholaminergic polymorphic ventricular tachycardia. Last evaluated: 2024-04-16. Review status: criteria provided, single submitter. Criteria: ACMG Guidelines, 2015. Collection method: clinical testing. Allele origin: germline. Inheritance: Autosomal dominant inheritance. Observed: 1 variant allele, 1 heterozygote.
Comment: This missense variant replaces tryptophan with cysteine at codon 3384 of the RYR2 protein. Computational prediction tool suggests that this variant may have deleterious impact on protein structure and function (internally defined REVEL score threshold >=0.7, PMID: 27666373). Splice site prediction tools suggest that this variant may not impact RNA splicing. To our knowledge, functional studies have not been performed for this variant. This variant has not been reported in individuals affected with cardiovascular disorders in the literature. This variant has not been identified in the general population by the Genome Aggregation Database (gnomAD). The available evidence is insufficient to determine the role of this variant in disease conclusively. Therefore, this variant is classified as a Variant of Uncertain Significance.

This study involves interpretation of variants in research participants for the purpose of population health screening. Participant phenotype was not available at the time of variant classification. Additional details can be found in publication PMID: 35346344, PMCID: PMC8962531

Color Diagnostics, LLC DBA Color Health
Classification: Uncertain significance for Cardiomyopathy. Last evaluated: 2024-03-06. Review status: criteria provided, single submitter. Criteria: ACMG Guidelines, 2015. Collection method: clinical testing. Allele origin: germline.
Comment: This missense variant replaces tryptophan with cysteine at codon 3384 of the RYR2 protein. Computational prediction tool suggests that this variant may have deleterious impact on protein structure and function (internally defined REVEL score threshold >=0.7, PMID: 27666373). Splice site prediction tools suggest that this variant may not impact RNA splicing. To our knowledge, functional studies have not been performed for this variant. This variant has not been reported in individuals affected with cardiovascular disorders in the literature. This variant has not been identified in the general population by the Genome Aggregation Database (gnomAD). The available evidence is insufficient to determine the role of this variant in disease conclusively. Therefore, this variant is classified as a Variant of Uncertain Significance.

NM_001035.3(RYR2):c.10152G>T (p.Trp3384Cys)

Gene: RYR2 (ryanodine receptor 2; plus strand). Cytogenetic location: 1q43.
Variant type: single nucleotide variant.
Coding change: c.10152G>T on transcript NM_001035.3 (MANE Select); coding-DNA position 10152, G replaced by T.
Protein change: p.Trp3384Cys; replaces tryptophan 3384 with cysteine.
Molecular consequence: missense variant.
Genome position (GRCh38, 1-based): chr1:237,709,489, G>T. VCF-style: chr1-237709489-G-T. GRCh37 (hg19) VCF-style: chr1-237872789-G-T.
Other names: short protein forms W3384C.
Identifiers: ClinVar variation 921242 (VCV000921242.5), dbSNP rs1232214660, ClinGen allele CA345411592.